The following is an entry in ClinVar:

NM_016333.4(SRRM2):c.5131T>A (p.Ser1711Thr)

Gene: SRRM2 (serine/arginine repetitive matrix 2; plus strand). Cytogenetic location: 16p13.3.
Variant type: single nucleotide variant.
Coding change: c.5131T>A on transcript NM_016333.4 (MANE Select); coding-DNA position 5131, T replaced by A.
Protein change: p.Ser1711Thr; replaces serine 1711 with threonine.
Molecular consequence: missense variant.
Genome position (GRCh38, 1-based): chr16:2,765,659, T>A. VCF-style: chr16-2765659-T-A. GRCh37 (hg19) VCF-style: chr16-2815660-T-A.
Other names: short protein forms S1711T.
Identifiers: ClinVar variation 3369841 (VCV003369841.1).

ClinVar aggregate classification (germline): Uncertain significance (1 of 4 stars; one submission).

Submission:

GeneDx
Classification: Uncertain significance. Last evaluated: 2024-04-26. Review status: criteria provided, single submitter. Criteria: GeneDx Variant Classification Process June 2021. Collection method: clinical testing. Allele origin: germline. Affected: yes.
Comment: Not observed at significant frequency in large population cohorts (gnomAD); In silico analysis indicates that this missense variant does not alter protein structure/function; Has not been previously published as pathogenic or benign to our knowledge